The following is an entry in ClinVar:

NM_020779.4(WDR35):c.1330C>T (p.Arg444Cys)

Gene: WDR35 (WD repeat domain 35; minus strand). Cytogenetic location: 2p24.1.
Variant type: single nucleotide variant.
Coding change: c.1330C>T on transcript NM_020779.4 (MANE Select); coding-DNA position 1330, C replaced by T.
Protein change: p.Arg444Cys; replaces arginine 444 with cysteine.
Molecular consequence: missense variant.
Genome position (GRCh38, 1-based): chr2:19,953,904, G>A on the plus strand (C>T on the coding strand, the complement: WDR35 is on the minus strand). VCF-style: chr2-19953904-G-A. GRCh37 (hg19) VCF-style: chr2-20153665-G-A.
Other names: c.1363C>T, p.Arg455Cys (NM_001006657.2); short protein forms R444C, R455C.
Identifiers: ClinVar variation 1470525 (VCV001470525.5), dbSNP rs148510977, ClinGen allele CA1543261.
Genomic context (GRCh38, chr2:19,953,904, plus strand): 5'-CTTCTTTTCGAGACCGTGTGATCTGATTAATTTCCAATGCTGTGAGCTTCTTTGCCACAC[G>A]ATATTGCCAGGTATAAAATGCTTCTTTCGAGGCTGCTATCACATGGGTTTTGGTCATTGC-3'
Protein context (NP_065830.2, residues 434-454): SKEAFYTWQY[Arg444Cys]VAKKLTALEI

ClinVar aggregate classification (germline): Uncertain significance. Review status: criteria provided, multiple submitters, no conflicts (2 of 4 stars). 3 submissions from 3 submitters: Uncertain significance (3). Last evaluated 2024-04-26.

Conditions:
Short-rib thoracic dysplasia 7 with or without polydactyly (SRTD7). Also called: Short rib polydactyly syndrome 5; SHORT-RIB THORACIC DYSPLASIA 7 WITH POLYDACTYLY. Identifiers: Orphanet 498497, Orphanet 93271, MedGen C3279792, MONDO:0013569, OMIM 614091.
Cranioectodermal dysplasia 2 (CED2). Identifiers: Orphanet 1515, MedGen C3150874, MONDO:0013323, OMIM 613610.

Allele frequency attached by ClinVar (database versions not stated): gnomAD exomes 0.00006 and 0.00013; ESP Exome Variant Server 0.00008; ExAC 0.00010; TOPMed 0.00017; gnomAD 0.00018; 1000 Genomes Project 0.00060; 1000 Genomes Project 30x 0.00062.
gnomAD v4.1: 121 of 1,614,064 alleles (0.0075%); highest among the groups gnomAD compares: Admixed American, 0.038%; no homozygotes.

Submissions (3):

Revvity Omics, Revvity
Classification: Uncertain significance. Last evaluated: 2024-04-26. Review status: criteria provided, single submitter. Criteria: ACMG Guidelines, 2015. Collection method: clinical testing. Allele origin: germline.

Fulgent Genetics
Classification: Uncertain significance for Cranioectodermal dysplasia 2; Short-rib thoracic dysplasia 7 with or without polydactyly. Last evaluated: 2024-04-08. Review status: criteria provided, single submitter. Criteria: ACMG Guidelines, 2015. Collection method: clinical testing. Allele origin: germline.

Labcorp Genetics (formerly Invitae), Labcorp
Classification: Uncertain significance for Cranioectodermal dysplasia 2; Short-rib thoracic dysplasia 7 with or without polydactyly. Last evaluated: 2021-12-08. Review status: criteria provided, single submitter. Criteria: Invitae Variant Classification Sherloc (09022015). Collection method: clinical testing. Allele origin: germline.
Comment: This sequence change replaces arginine, which is basic and polar, with cysteine, which is neutral and slightly polar, at codon 455 of the WDR35 protein (p.Arg455Cys). This variant is present in population databases (rs148510977, gnomAD 0.03%). This variant has not been reported in the literature in individuals affected with WDR35-related conditions. Algorithms developed to predict the effect of missense changes on protein structure and function (SIFT, PolyPhen-2, Align-GVGD) all suggest that this variant is likely to be disruptive. In summary, the available evidence is currently insufficient to determine the role of this variant in disease. Therefore, it has been classified as a Variant of Uncertain Significance.